The following is an entry in ClinVar:

NM_000179.3(MSH6):c.1942A>G (p.Ser648Gly)

Gene: MSH6 (mutS homolog 6; plus strand). Cytogenetic location: 2p16.3.
Variant type: single nucleotide variant.
Coding change: c.1942A>G on transcript NM_000179.3 (MANE Select); coding-DNA position 1942, A replaced by G.
Protein change: p.Ser648Gly; replaces serine 648 with glycine.
Molecular consequence: missense variant. On other transcripts: non-coding transcript variant (5), intron variant (2).
Genome position (GRCh38, 1-based): chr2:47,799,925, A>G. VCF-style: chr2-47799925-A-G. GRCh37 (hg19) VCF-style: chr2-48027064-A-G.
Other names: c.1552A>G, p.Ser518Gly (NM_001281492.2); c.1036A>G, p.Ser346Gly (NM_001281493.2, NM_001281494.2, NM_001406829.1 and 6 more transcripts); c.2038A>G, p.Ser680Gly (NM_001406795.1, NM_001406802.1); c.1942A>G, p.Ser648Gly (NM_001406796.1, NM_001406798.1, NM_001406800.1 and 3 more transcripts); c.1645A>G, p.Ser549Gly (NM_001406797.1, NM_001406801.1, NM_001406824.1 and 10 more transcripts); c.1417A>G, p.Ser473Gly (NM_001406799.1, NM_001406806.1, NM_001406807.1); c.1774A>G, p.Ser592Gly (NM_001406826.1); c.1606+336A>G (NM_001406817.1); and 3 more; short protein forms S346G, S473G, S518G, S549G, S592G, S622G, S648G, S650G.
Identifiers: ClinVar variation 3073290 (VCV003073290.4), dbSNP rs965228819, ClinGen allele CA46709970.

ClinVar aggregate classification (germline): Conflicting classifications of pathogenicity. Review status: criteria provided, conflicting classifications (1 of 4 stars). 3 submissions from 3 submitters: Uncertain significance (2); Likely benign (1). Last evaluated 2026-07-09.

Conditions:
Hereditary nonpolyposis colorectal neoplasms. Identifiers: MedGen C0009405, MeSH D003123.
Lynch syndrome. Identifiers: Orphanet 144, MedGen C4552100, MONDO:0005835. Disease mechanism: loss of function.
Hereditary cancer-predisposing syndrome. Also called: Tumor predisposition; Hereditary Cancer Syndrome; Neoplastic Syndromes, Hereditary; Hereditary neoplastic syndrome. Identifiers: Orphanet 140162, MedGen C0027672, MeSH D009386, MONDO:0015356.

Allele frequency attached by ClinVar (database versions not stated): gnomAD exomes below 0.00001.
gnomAD v4.1: 1 of 1,614,206 alleles (0.000062%); highest among the groups gnomAD compares: South Asian, 0.0011%; no homozygotes.

Submissions (3):

Ambry Genetics
Classification: Uncertain significance for Hereditary cancer-predisposing syndrome. Last evaluated: 2026-07-09. Review status: criteria provided, single submitter. Criteria: Ambry Variant Classification Scheme 2023. Collection method: clinical testing. Allele origin: germline.
Comment: The p.S648G variant (also known as c.1942A>G), located in coding exon 4 of the MSH6 gene, results from an A to G substitution at nucleotide position 1942. The serine at codon 648 is replaced by glycine, an amino acid with similar properties. This amino acid position is conserved. In addition, this alteration is predicted to be tolerated by in silico analysis. Based on the available evidence, the clinical significance of this variant remains unclear.

Labcorp Genetics (formerly Invitae), Labcorp
Classification: Likely benign for Hereditary nonpolyposis colorectal neoplasms. Last evaluated: 2024-05-15. Review status: criteria provided, single submitter. Criteria: Invitae Variant Classification Sherloc (09022015). Collection method: clinical testing. Allele origin: germline.

All of Us Research Program, National Institutes of Health
Classification: Uncertain significance for Lynch syndrome. Last evaluated: 2023-09-04. Review status: criteria provided, single submitter. Criteria: ACMG Guidelines, 2015. Collection method: clinical testing. Allele origin: germline. Inheritance: Autosomal dominant inheritance. Observed: 1 variant allele, 1 heterozygote.
Comment: This missense variant replaces serine with glycine at codon 648 of the MSH6 protein. Computational prediction suggests that this variant may not impact protein structure and function (internally defined REVEL score threshold <= 0.5, PMID: 27666373). To our knowledge, functional studies have not been reported for this variant. This variant has not been reported in individuals affected with MSH6-related disorders in the literature. This variant has been identified in 1/251208 chromosomes in the general population by the Genome Aggregation Database (gnomAD). The available evidence is insufficient to determine the role of this variant in disease conclusively. Therefore, this variant is classified as a Variant of Uncertain Significance.

This study involves interpretation of variants in research participants for the purpose of population health screening. Participant phenotype was not available at the time of variant classification. Additional details can be found in publication PMID: 35346344, PMCID: PMC8962531